The following is an entry in ClinVar:

NM_012200.4(B3GAT3):c.871C>A (p.Pro291Thr)

Gene: B3GAT3 (beta-1,3-glucuronyltransferase 3; minus strand). Cytogenetic location: 11q12.3.
Variant type: single nucleotide variant.
Coding change: c.871C>A on transcript NM_012200.4 (MANE Select); coding-DNA position 871, C replaced by A.
Protein change: p.Pro291Thr; replaces proline 291 with threonine.
Molecular consequence: missense variant. On other transcripts: non-coding transcript variant (1).
Genome position (GRCh38, 1-based): chr11:62,616,544, G>T on the plus strand (C>A on the coding strand, the complement: B3GAT3 is on the minus strand). VCF-style: chr11-62616544-G-T. GRCh37 (hg19) VCF-style: chr11-62384016-G-T.
Other names: p.Pro291Thr; c.850C>A, p.Pro284Thr (NM_001288721.2); c.871C>A, p.Pro291Thr (NM_001288722.2, NM_001288723.2); c.871C>A (NM_012200.3); short protein forms P284T, P291T.
Identifiers: ClinVar variation 2196670 (VCV002196670.3), dbSNP rs200716052, ClinGen allele CA6049995.

ClinVar aggregate classification (germline): Uncertain significance. Review status: criteria provided, multiple submitters, no conflicts (2 of 4 stars). 3 submissions from 3 submitters: Uncertain significance (3). Last evaluated 2025-08-01.

Conditions:
Inborn genetic diseases. Identifiers: MedGen C0950123, MeSH D030342.
Larsen-like syndrome, B3GAT3 type. Also called: MULTIPLE JOINT DISLOCATIONS, SHORT STATURE, AND CRANIOFACIAL DYSMORPHISM WITH OR WITHOUT CONGENITAL HEART DEFECTS; Multiple joint dislocations, short stature, craniofacial dysmorphism, with or without congenital heart defects. Identifiers: Orphanet 284139, MedGen CN034159, MONDO:0009511, OMIM 245600.

Allele frequency attached by ClinVar (database versions not stated): gnomAD exomes 0.00002; gnomAD 0.00003; ExAC 0.00006.
gnomAD v4.1: 42 of 1,614,120 alleles (0.0026%); highest among the groups gnomAD compares: Non-Finnish European, 0.00068%; no homozygotes.

Submissions (3):

Ambry Genetics
Classification: Uncertain significance for Inborn genetic diseases. Last evaluated: 2025-08-01. Review status: criteria provided, single submitter. Criteria: Ambry Variant Classification Scheme 2023. Collection method: clinical testing. Allele origin: germline.

Mayo Clinic Laboratories, Mayo Clinic
Classification: Uncertain significance. Last evaluated: 2023-02-22. Review status: criteria provided, single submitter. Criteria: ACMG Guidelines, 2015. Collection method: clinical testing. Allele origin: germline. Observed: 1 variant allele.
Comment: BP4

Labcorp Genetics (formerly Invitae), Labcorp
Classification: Uncertain significance for Larsen-like syndrome, B3GAT3 type. Last evaluated: 2022-04-10. Review status: criteria provided, single submitter. Criteria: Invitae Variant Classification Sherloc (09022015). Collection method: clinical testing. Allele origin: germline.
Comment: This sequence change replaces proline, which is neutral and non-polar, with threonine, which is neutral and polar, at codon 291 of the B3GAT3 protein (p.Pro291Thr). This variant is present in population databases (rs200716052, gnomAD 0.07%). This variant has not been reported in the literature in individuals affected with B3GAT3-related conditions. Algorithms developed to predict the effect of missense changes on protein structure and function (SIFT, PolyPhen-2, Align-GVGD) all suggest that this variant is likely to be tolerated. In summary, the available evidence is currently insufficient to determine the role of this variant in disease. Therefore, it has been classified as a Variant of Uncertain Significance.